The following is an entry in ClinVar:

ClinVar aggregate classification (germline): Uncertain significance (1 of 4 stars; one submission).

Conditions:
Immunodeficiency. Identifiers: MedGen C0021051, MONDO:0021094, HP:0002721.

Allele frequency attached by ClinVar (database versions not stated): gnomAD exomes below 0.00001 and 0.00001.
gnomAD v4.1: 7 of 1,614,220 alleles (0.00043%); highest among the groups gnomAD compares: South Asian, 0.0033%; no homozygotes.

Submission:

Labcorp Genetics (formerly Invitae), Labcorp
Classification: Uncertain significance for Immunodeficiency. Last evaluated: 2022-10-17. Review status: criteria provided, single submitter. Criteria: Invitae Variant Classification Sherloc (09022015). Collection method: clinical testing. Allele origin: germline.
Comment: In summary, the available evidence is currently insufficient to determine the role of this variant in disease. Therefore, it has been classified as a Variant of Uncertain Significance. Algorithms developed to predict the effect of missense changes on protein structure and function output the following: SIFT: "Tolerated"; PolyPhen-2: "Benign"; Align-GVGD: "Class C0". The alanine amino acid residue is found in multiple mammalian species, which suggests that this missense change does not adversely affect protein function. ClinVar contains an entry for this variant (Variation ID: 1501719). This variant has not been reported in the literature in individuals affected with NFAT5-related conditions. This variant is present in population databases (no rsID available, gnomAD 0.006%). This sequence change replaces threonine, which is neutral and polar, with alanine, which is neutral and non-polar, at codon 868 of the NFAT5 protein (p.Thr868Ala).

NM_138713.4(NFAT5):c.2884A>G (p.Thr962Ala)

Gene: NFAT5 (nuclear factor of activated T cells 5; plus strand). Cytogenetic location: 16q22.1.
Variant type: single nucleotide variant.
Coding change: c.2884A>G on transcript NM_138713.4 (MANE Select); coding-DNA position 2884, A replaced by G.
Protein change: p.Thr962Ala; replaces threonine 962 with alanine.
Molecular consequence: missense variant.
Genome position (GRCh38, 1-based): chr16:69,692,709, A>G. VCF-style: chr16-69692709-A-G. GRCh37 (hg19) VCF-style: chr16-69726612-A-G.
Other names: c.2881A>G, p.Thr961Ala (NM_001113178.3); c.2209A>G, p.Thr737Ala (NM_001367709.1); c.2830A>G, p.Thr944Ala (NM_006599.4); c.2602A>G, p.Thr868Ala (NM_138714.4, NM_173214.3, NM_173215.3); short protein forms T944A, T962A, T737A, T868A, T961A.
Identifiers: ClinVar variation 1501719 (VCV001501719.8), dbSNP rs932232039, ClinGen allele CA283373755.
Genomic context (GRCh38, chr16:69,692,709, plus strand): 5'-GGAAACCTTCAGCAATCGCCAGTTTACCAGCAGACTTCTCACATGATGAGTGCATTGTCT[A>G]CCAATGAGGATATGCAAATGCAGTGTGAATTGTTTTCTTCTCCTCCTGCAGTTTCTGGAA-3'
Protein context (NP_619727.2, residues 952-972): QTSHMMSALS[Thr962Ala]NEDMQMQCEL